The following is an entry in ClinVar:

NM_000057.4(BLM):c.299A>G (p.Gln100Arg)

Gene: BLM (BLM RecQ like helicase; plus strand). Cytogenetic location: 15q26.1.
Variant type: single nucleotide variant.
Coding change: c.299A>G on transcript NM_000057.4 (MANE Select); coding-DNA position 299, A replaced by G.
Protein change: p.Gln100Arg; replaces glutamine 100 with arginine.
Molecular consequence: missense variant. On other transcripts: 5 prime UTR variant (1).
Genome position (GRCh38, 1-based): chr15:90,749,567, A>G. VCF-style: chr15-90749567-A-G. GRCh37 (hg19) VCF-style: chr15-91292797-A-G.
Other names: c.299A>G, p.Gln100Arg (NM_001287246.2, NM_001287247.2); c.-993A>G (NM_001287248.2); short protein forms Q100R.
Identifiers: ClinVar variation 3480819 (VCV003480819.1).

ClinVar aggregate classification (germline): Uncertain significance (1 of 4 stars; one submission).

Conditions:
Hereditary cancer-predisposing syndrome. Also called: Tumor predisposition; Neoplastic Syndromes, Hereditary; Hereditary neoplastic syndrome; Hereditary Cancer Syndrome. Identifiers: Orphanet 140162, MedGen C0027672, MeSH D009386, MONDO:0015356.

Submission:

Ambry Genetics
Classification: Uncertain significance for Hereditary cancer-predisposing syndrome. Last evaluated: 2024-08-01. Review status: criteria provided, single submitter. Criteria: Ambry Variant Classification Scheme 2023. Collection method: clinical testing. Allele origin: germline.
Comment: The p.Q100R variant (also known as c.299A>G), located in coding exon 2 of the BLM gene, results from an A to G substitution at nucleotide position 299. The glutamine at codon 100 is replaced by arginine, an amino acid with highly similar properties. This amino acid position is conserved. In addition, this alteration is predicted to be tolerated by in silico analysis. Based on the available evidence, the clinical significance of this variant remains unclear.